The following is an entry in ClinVar:

ClinVar aggregate classification (germline): Uncertain significance. Review status: criteria provided, multiple submitters, no conflicts (2 of 4 stars). 2 submissions from 2 submitters: Uncertain significance (2). Last evaluated 2023-06-20.

Allele frequency attached by ClinVar (database versions not stated): gnomAD exomes below 0.00001; TOPMed below 0.00001; gnomAD 0.00001.
gnomAD v4.1: 4 of 1,613,190 alleles (0.00025%); highest among the groups gnomAD compares: Admixed American, 0.0017%; no homozygotes.

Submissions (2):

Labcorp Genetics (formerly Invitae), Labcorp
Classification: Uncertain significance. Last evaluated: 2023-06-20. Review status: criteria provided, single submitter. Criteria: Invitae Variant Classification Sherloc (09022015). Collection method: clinical testing. Allele origin: germline.
Comment: This sequence change replaces isoleucine, which is neutral and non-polar, with valine, which is neutral and non-polar, at codon 756 of the COL11A1 protein (p.Ile756Val). This variant is not present in population databases (gnomAD no frequency). This variant has not been reported in the literature in individuals affected with COL11A1-related conditions. ClinVar contains an entry for this variant (Variation ID: 1502110). Advanced modeling of protein sequence and biophysical properties (such as structural, functional, and spatial information, amino acid conservation, physicochemical variation, residue mobility, and thermodynamic stability) performed at Invitae indicates that this missense variant is not expected to disrupt COL11A1 protein function. In summary, the available evidence is currently insufficient to determine the role of this variant in disease. Therefore, it has been classified as a Variant of Uncertain Significance.

GeneDx
Classification: Uncertain significance. Last evaluated: 2022-08-22. Review status: criteria provided, single submitter. Criteria: GeneDx Variant Classification Process June 2021. Collection method: clinical testing. Allele origin: germline. Affected: yes.
Comment: Not observed at significant frequency in large population cohorts (gnomAD); In silico analysis supports that this missense variant does not alter protein structure/function; Has not been previously published as pathogenic or benign to our knowledge

NM_001854.4(COL11A1):c.2266A>G (p.Ile756Val)

Gene: COL11A1 (collagen type XI alpha 1 chain; minus strand). Cytogenetic location: 1p21.1.
Variant type: single nucleotide variant.
Coding change: c.2266A>G on transcript NM_001854.4 (MANE Select); coding-DNA position 2266, A replaced by G.
Protein change: p.Ile756Val; replaces isoleucine 756 with valine.
Molecular consequence: missense variant. On other transcripts: non-coding transcript variant (1).
Genome position (GRCh38, 1-based): chr1:102,996,018, T>C on the plus strand (A>G on the coding strand, the complement: COL11A1 is on the minus strand). VCF-style: chr1-102996018-T-C. GRCh37 (hg19) VCF-style: chr1-103461574-T-C.
Other names: c.2149A>G, p.Ile717Val (NM_001190709.2); c.2302A>G, p.Ile768Val (NM_080629.3); c.1918A>G, p.Ile640Val (NM_080630.4); c.2266A>G (NM_001854.3); short protein forms I756V, I717V, I640V, I768V.
Identifiers: ClinVar variation 1502110 (VCV001502110.8), dbSNP rs1190680048, ClinGen allele CA341169052.
Genomic context (GRCh38, chr1:102,996,018, plus strand): 5'-AGTAAATAATGTGAAAACAATTTAACGTTACCTTTACTCCCCGGGGGCCCGGGTATCCAA[T>C]AGGACCTTGTGGACCAGGGGGACCCTGAAATAGATGAATTACCACTTATACGTGTAATAA-3'
Protein context (NP_001845.3, residues 746-766): ALGPPGPQGP[Ile756Val]GYPGPRGVKG